The following is an entry in ClinVar:

NM_001943.5(DSG2):c.249C>T (p.Leu83=)

Gene: DSG2 (desmoglein 2; plus strand). Cytogenetic location: 18q12.1.
Variant type: single nucleotide variant.
Coding change: c.249C>T on transcript NM_001943.5 (MANE Select); coding-DNA position 249, C replaced by T.
Protein change: p.Leu83=; no amino-acid change (leucine 83 retained).
Molecular consequence: synonymous variant.
Genome position (GRCh38, 1-based): chr18:31,520,835, C>T. VCF-style: chr18-31520835-C-T. GRCh37 (hg19) VCF-style: chr18-29100798-C-T.
Identifiers: ClinVar variation 3075479 (VCV003075479.1), dbSNP rs2510910792, ClinGen allele CA503596964.

ClinVar aggregate classification (germline): Likely benign (1 of 4 stars; one submission).

Conditions:
Arrhythmogenic right ventricular cardiomyopathy (ARVD). Also called: Arrhythmogenic right ventricular dysplasia; Cardiomyopathy, ARVC; Arrhythmogenic cardiomyopathy; Arrhythmogenic Right Ventricular Cardiomyopathy (ARVC). Identifiers: Orphanet 247, MedGen C0349788, MeSH D019571, MONDO:0016587. Disease mechanism: loss of function. Inheritance: Various modes of inheritance.

Submission:

All of Us Research Program, National Institutes of Health
Classification: Likely benign for Arrhythmogenic right ventricular cardiomyopathy. Last evaluated: 2024-02-05. Review status: criteria provided, single submitter. Criteria: ACMG Guidelines, 2015. Collection method: clinical testing. Allele origin: germline. Inheritance: Autosomal dominant inheritance. Observed: 1 variant allele, 1 heterozygote.
Comment: This study involves interpretation of variants in research participants for the purpose of population health screening. Participant phenotype was not available at the time of variant classification. Additional details can be found in publication PMID: 35346344, PMCID: PMC8962531